The following is an entry in ClinVar:

NM_000435.3(NOTCH3):c.664T>C (p.Cys222Arg)

Gene: NOTCH3 (notch receptor 3; minus strand). Cytogenetic location: 19p13.12.
Variant type: single nucleotide variant.
Coding change: c.664T>C on transcript NM_000435.3 (MANE Select); coding-DNA position 664, T replaced by C.
Protein change: p.Cys222Arg; replaces cysteine 222 with arginine.
Molecular consequence: missense variant.
Genome position (GRCh38, 1-based): chr19:15,191,975, A>G on the plus strand (T>C on the coding strand, the complement: NOTCH3 is on the minus strand). VCF-style: chr19-15191975-A-G. GRCh37 (hg19) VCF-style: chr19-15302786-A-G.
Other names: short protein forms C222R.
Identifiers: ClinVar variation 1807387 (VCV001807387.1), dbSNP rs2512665397, ClinGen allele CA404533087.

ClinVar aggregate classification (germline): Pathogenic (1 of 4 stars; one submission).

Submission:

Athena Diagnostics
Classification: Pathogenic. Last evaluated: 2022-04-12. Review status: criteria provided, single submitter. Criteria: Athena Diagnostics Criteria. Collection method: clinical testing. Allele origin: unknown.
Comment: This variant has been identified in at least one individual with clinical features associated with this gene. This variant has not been reported in large, multi-ethnic general populations. At least one other missense variant at this codon is considered to be pathogenic or likely pathogenic, suggesting this variant may also cause disease. This variant alters a critical location within the protein, and is expected to severely affect function and cause disease. Greater than 90% of pathogenic variants identified in NOTCH3 involve the gain or loss of a cysteine residue within the epidermal growth factor (EGF)-like repeat domain.

Literature cited by the submitters: PubMed 24840674.